The following is an entry in ClinVar:

NM_013382.7(POMT2):c.16G>A (p.Gly6Ser)

Genes: POMT2 (protein O-mannosyltransferase 2; minus strand), LOC130056177 (ATAC-STARR-seq lymphoblastoid silent region 5970; plus strand). Cytogenetic location: 14q24.3.
Variant type: single nucleotide variant.
Coding change: c.16G>A on transcript NM_013382.7 (MANE Select); coding-DNA position 16, G replaced by A.
Protein change: p.Gly6Ser; replaces glycine 6 with serine.
Molecular consequence: missense variant.
Genome position (GRCh38, 1-based): chr14:77,320,666, C>T on the plus strand (G>A on the coding strand, the complement: POMT2 is on the minus strand). VCF-style: chr14-77320666-C-T. GRCh37 (hg19) VCF-style: chr14-77787009-C-T.
Other names: short protein forms G6S.
Identifiers: ClinVar variation 1501671 (VCV001501671.8), dbSNP rs751918638, ClinGen allele CA390505022.

ClinVar aggregate classification (germline): Uncertain significance (1 of 4 stars; one submission).

Conditions:
Muscular dystrophy-dystroglycanopathy (congenital with impaired intellectual development), type B, 2. Also called: Muscular dystrophy-dystroglycanopathy (congenital with intellectual disability), type B2; MUSCULAR DYSTROPHY, CONGENITAL, POMT2-RELATED. Identifiers: MedGen C3150416, MONDO:0013160, OMIM 613156.
Autosomal recessive limb-girdle muscular dystrophy type 2N. Also called: MUSCULAR DYSTROPHY-DYSTROGLYCANOPATHY, LIMB-GIRDLE, POMT2-RELATED; Muscular dystrophy-dystroglycanopathy (limb-girdle), type C, 2. Identifiers: Orphanet 206559, MedGen C3150418, MONDO:0013162, OMIM 613158.
Muscular dystrophy-dystroglycanopathy (congenital with brain and eye anomalies), type A2. Also called: MUSCULAR DYSTROPHY-DYSTROGLYCANOPATHY (CONGENITAL WITH BRAIN AND EYE ANOMALIES), TYPE A, 2; WALKER-WARBURG SYNDROME OR MUSCLE-EYE-BRAIN DISEASE, POMT2-RELATED. Identifiers: Orphanet 588, Orphanet 899, MedGen C3150411, MONDO:0013154, OMIM 613150.

gnomAD v4.1: 2 of 1,593,570 alleles (0.00013%); no homozygotes.

Submission:

Labcorp Genetics (formerly Invitae), Labcorp
Classification: Uncertain significance for Muscular dystrophy-dystroglycanopathy (congenital with impaired intellectual development), type B, 2; Muscular dystrophy-dystroglycanopathy (congenital with brain and eye anomalies), type A2; Autosomal recessive limb-girdle muscular dystrophy type 2N. Last evaluated: 2022-06-20. Review status: criteria provided, single submitter. Criteria: Invitae Variant Classification Sherloc (09022015). Collection method: clinical testing. Allele origin: germline.
Comment: In summary, the available evidence is currently insufficient to determine the role of this variant in disease. Therefore, it has been classified as a Variant of Uncertain Significance. Algorithms developed to predict the effect of missense changes on protein structure and function (SIFT, PolyPhen-2, Align-GVGD) all suggest that this variant is likely to be tolerated. This variant has not been reported in the literature in individuals affected with POMT2-related conditions. This variant is not present in population databases (gnomAD no frequency). This sequence change replaces glycine, which is neutral and non-polar, with serine, which is neutral and polar, at codon 6 of the POMT2 protein (p.Gly6Ser).